The following is an entry in ClinVar:

NM_003890.3(FCGBP):c.3441C>T (p.Tyr1147=)

Gene: FCGBP (Fc gamma binding protein; minus strand). Cytogenetic location: 19q13.2.
Variant type: single nucleotide variant.
Coding change: c.3441C>T on transcript NM_003890.3 (MANE Select); coding-DNA position 3441, C replaced by T.
Protein change: p.Tyr1147=; no amino-acid change (tyrosine 1147 retained).
Molecular consequence: synonymous variant.
Genome position (GRCh38, 1-based): chr19:39,906,280, G>A on the plus strand (C>T on the coding strand, the complement: FCGBP is on the minus strand). VCF-style: chr19-39906280-G-A. GRCh37 (hg19) VCF-style: chr19-40412187-G-A.
Identifiers: ClinVar variation 2649865 (VCV002649865.24), dbSNP rs142661461, ClinGen allele CA9437539.
Genomic context (GRCh38, chr19:39,906,280, plus strand): 5'-ACGGCAGGCCGACTCACAGCCCTCGGGCACTGGGAGGTCTCCACAGGACAGCGGGCAGCC[G>A]TAGGAACACGCCTCATAGTGGCTGTGGGGTGGGCAGCTCAGTGCTGCAGGGAGAGGAGAC-3'
Protein context (NP_003881.2, residues 1137-1157): PPHSHYEACS[Tyr1147=]GCPLSCGDLP

ClinVar aggregate classification (germline): Likely benign (1 of 4 stars; one submission).

Allele frequency attached by ClinVar (database versions not stated): 1000 Genomes Project 30x 0.00016; 1000 Genomes Project 0.00020; ExAC 0.00044; gnomAD 0.00048; TOPMed 0.00049; gnomAD exomes 0.00079; ESP Exome Variant Server 0.00092.

Submission:

CeGaT Center for Human Genetics Tuebingen
Classification: Likely benign. Last evaluated: 2026-06-01. Review status: criteria provided, single submitter. Criteria: CeGaT Center For Human Genetics Tuebingen Variant Classification Criteria Version 2. Collection method: clinical testing. Allele origin: germline. Affected: yes. Observed: 2 variant alleles.
Comment: FCGBP: PM2:Supporting, BP4, BP7